The following is an entry in ClinVar:

ClinVar aggregate classification (germline): Likely pathogenic (1 of 4 stars; one submission).

Conditions:
Primary ciliary dyskinesia 12. Also called: CILIARY DYSKINESIA, PRIMARY, 12, WITHOUT SITUS INVERSUS. Identifiers: Orphanet 244, MedGen C2675228, MONDO:0012979, OMIM 612650.

Submission:

Juno Genomics, Hangzhou Juno Genomics, Inc
Classification: Likely pathogenic for Primary ciliary dyskinesia 12. Review status: criteria provided, single submitter. Criteria: ACMG Guidelines, 2015. Collection method: clinical testing. Allele origin: germline. Affected: yes.
Comment: Absent from controls (or at extremely low frequency if recessive) in Genome Aggregation Database, Exome Sequencing Project, 1000 Genomes Project, or Exome Aggregation Consortium.;Null variant in a gene where loss of function (LOF) is a known mechanism of disease.

NM_152732.5(RSPH9):c.19del (p.Leu7fs)

Gene: RSPH9 (radial spoke head component 9; plus strand). Cytogenetic location: 6p21.1.
Variant type: Deletion.
Coding change: c.19del on transcript NM_152732.5 (MANE Select); coding-DNA position 19, one base deleted (C; older notation c.19delC).
Protein change: p.Leu7fs; shifts the reading frame from leucine 7.
Molecular consequence: frameshift variant. On other transcripts: non-coding transcript variant (2).
Genome position (GRCh38, 1-based): chr6:43,645,117, C deleted; the last of 2 consecutive C bases (chr6:43,645,116-43,645,117); deleting either gives the same sequence. VCF-style (leftmost placement, unchanged base first): chr6-43645115-TC-T. GRCh37 (hg19) VCF-style: chr6-43612852-TC-T.
Other names: c.19del, p.Leu7fs (NM_001193341.2, NM_001424119.1, NM_001424120.1 and 1 more transcripts); short protein forms L7fs.
Identifiers: ClinVar variation 3382264 (VCV003382264.2).
Genomic context (GRCh38, chr6:43,645,115, plus strand): 5'-TTCTCCTAGCAACTCGACGGGCGTTGAGCGGAGCCGCTGACCTGATGGACGCCGACAGCC[TC>T]CTGCTGTCTCTGGAGCTGGCGTCCGGCAGTGGGCAGGGCCTCAGCCCGGACCGTCGGGCC-3'